The following is an entry in ClinVar:

ClinVar aggregate classification (germline): Uncertain significance (1 of 4 stars; one submission).

Conditions:
Dyskeratosis congenita, autosomal dominant 2. Identifiers: MedGen C3151443, MONDO:0013521, OMIM 613989.
Idiopathic Pulmonary Fibrosis. Also called: Idiopathic fibrosing alveolitis, chronic form; idiopathic fibrosing alveolitis. Identifiers: Orphanet 2032, MedGen C1800706, MeSH D054990, MONDO:0800504.

Submission:

Labcorp Genetics (formerly Invitae), Labcorp
Classification: Uncertain significance for Dyskeratosis congenita, autosomal dominant 2; Idiopathic Pulmonary Fibrosis. Last evaluated: 2025-03-21. Review status: criteria provided, single submitter. Criteria: Invitae Variant Classification Sherloc (09022015). Collection method: clinical testing. Allele origin: germline.
Comment: This sequence change replaces valine, which is neutral and non-polar, with leucine, which is neutral and non-polar, at codon 273 of the TERT protein (p.Val273Leu). This variant is not present in population databases (gnomAD no frequency). This variant has not been reported in the literature in individuals affected with TERT-related conditions. Invitae Evidence Modeling of protein sequence and biophysical properties (such as structural, functional, and spatial information, amino acid conservation, physicochemical variation, residue mobility, and thermodynamic stability) indicates that this missense variant is not expected to disrupt TERT protein function with a negative predictive value of 95%. Algorithms developed to predict the effect of sequence changes on RNA splicing suggest that this variant may create or strengthen a splice site. In summary, the available evidence is currently insufficient to determine the role of this variant in disease. Therefore, it has been classified as a Variant of Uncertain Significance.

NM_198253.3(TERT):c.817G>T (p.Val273Leu)

Gene: TERT (telomerase reverse transcriptase; minus strand). Cytogenetic location: 5p15.33.
Variant type: single nucleotide variant.
Coding change: c.817G>T on transcript NM_198253.3 (MANE Select); coding-DNA position 817, G replaced by T.
Protein change: p.Val273Leu; replaces valine 273 with leucine.
Molecular consequence: missense variant. On other transcripts: non-coding transcript variant (2).
Genome position (GRCh38, 1-based): chr5:1,294,069, C>A on the plus strand (G>T on the coding strand, the complement: TERT is on the minus strand). VCF-style: chr5-1294069-C-A. GRCh37 (hg19) VCF-style: chr5-1294184-C-A.
Other names: c.817G>T, p.Val273Leu (NM_001193376.3); short protein forms V273L.
Identifiers: ClinVar variation 4783168 (VCV004783168.1).